The following is an entry in ClinVar:

ClinVar aggregate classification (germline): Likely benign. Review status: criteria provided, multiple submitters, no conflicts (2 of 4 stars). 5 submissions from 5 submitters: Likely benign (5). Last evaluated 2025-05-01.

Conditions:
Polycystic kidney disease, adult type (PKD1). Also called: POLYCYSTIC KIDNEY DISEASE 1 WITH OR WITHOUT POLYCYSTIC LIVER DISEASE; Polycystic Kidney Disease 1, Autosomal Dominant; Polycystic kidney disease 1; Polycystic kidney disease 1, severe; Polycystic Kidney, Autosomal Dominant; POLYCYSTIC KIDNEY DISEASE, ADULT, TYPE I. Identifiers: MedGen C3149841, MONDO:0008263, OMIM 173900.

Allele frequency attached by ClinVar (database versions not stated): TOPMed 0.00014; ESP Exome Variant Server 0.00015; gnomAD 0.00017 and 0.00018; gnomAD exomes 0.00017; ExAC 0.00018.
gnomAD v4.1: 225 of 1,609,348 alleles (0.014%); highest among the groups gnomAD compares: Non-Finnish European, 0.014%; no homozygotes.

Submissions (5):

CeGaT Center for Human Genetics Tuebingen
Classification: Likely benign. Last evaluated: 2025-05-01. Review status: criteria provided, single submitter. Criteria: CeGaT Center For Human Genetics Tuebingen Variant Classification Criteria Version 2. Collection method: clinical testing. Allele origin: germline. Affected: yes. Observed: 1 variant allele.
Comment: PKD1: BP4, BP7

Women's Health and Genetics/Laboratory Corporation of America, LabCorp
Classification: Likely benign. Last evaluated: 2025-03-25. Review status: criteria provided, single submitter. Criteria: LabCorp Variant Classification Summary - May 2015. Collection method: clinical testing. Allele origin: germline.

Blueprint Genetics
Classification: Likely benign. Last evaluated: 2024-11-21. Review status: criteria provided, single submitter. Criteria: ACMG Guidelines, 2015. Collection method: clinical testing. Allele origin: germline.

Fulgent Genetics
Classification: Likely benign for Polycystic kidney disease, adult type. Last evaluated: 2022-02-22. Review status: criteria provided, single submitter. Criteria: ACMG Guidelines, 2015. Collection method: clinical testing. Allele origin: unknown.

PreventionGenetics, part of Exact Sciences
Classification: Likely benign. Review status: criteria provided, single submitter. Criteria: ACMG Guidelines, 2015. Collection method: clinical testing. Allele origin: germline.

NM_001009944.3(PKD1):c.5064C>T (p.Leu1688=)

Gene: PKD1 (polycystin 1, transient receptor potential channel interacting; minus strand). Cytogenetic location: 16p13.3.
Variant type: single nucleotide variant.
Coding change: c.5064C>T on transcript NM_001009944.3 (MANE Select); coding-DNA position 5064, C replaced by T.
Protein change: p.Leu1688=; no amino-acid change (leucine 1688 retained).
Molecular consequence: synonymous variant.
Genome position (GRCh38, 1-based): chr16:2,110,103, G>A on the plus strand (C>T on the coding strand, the complement: PKD1 is on the minus strand). VCF-style: chr16-2110103-G-A. GRCh37 (hg19) VCF-style: chr16-2160104-G-A.
Other names: c.5064C>T, p.Leu1688= (NM_000296.4).
Identifiers: ClinVar variation 256973 (VCV000256973.15), dbSNP rs377662680, ClinGen allele CA7832137.